The following is an entry in ClinVar:

ClinVar aggregate classification (germline): Uncertain significance (1 of 4 stars; one submission).

Conditions:
Cardiovascular phenotype. Identifiers: MedGen CN230736.

gnomAD v4.1: 6 of 1,613,982 alleles (0.00037%); highest among the groups gnomAD compares: Admixed American, 0.0017%; no homozygotes.

Submission:

Ambry Genetics
Classification: Uncertain significance for Cardiovascular phenotype. Last evaluated: 2026-07-02. Review status: criteria provided, single submitter. Criteria: Ambry Variant Classification Scheme 2023. Collection method: clinical testing. Allele origin: germline.
Comment: The p.P2642L variant (also known as c.7925C>T), located in coding exon 26 of the APOB gene, results from a C to T substitution at nucleotide position 7925. The proline at codon 2642 is replaced by leucine, an amino acid with similar properties. This amino acid position is conserved. In addition, this alteration is predicted to be tolerated by in silico analysis. Based on the available evidence, the clinical significance of this variant remains unclear.

NM_000384.3(APOB):c.7925C>T (p.Pro2642Leu)

Gene: APOB (apolipoprotein B; minus strand). Cytogenetic location: 2p24.1.
Variant type: single nucleotide variant.
Coding change: c.7925C>T on transcript NM_000384.3 (MANE Select); coding-DNA position 7925, C replaced by T.
Protein change: p.Pro2642Leu; replaces proline 2642 with leucine.
Molecular consequence: missense variant.
Genome position (GRCh38, 1-based): chr2:21,008,943, G>A on the plus strand (C>T on the coding strand, the complement: APOB is on the minus strand). VCF-style: chr2-21008943-G-A. GRCh37 (hg19) VCF-style: chr2-21231815-G-A.
Other names: short protein forms P2642L.
Identifiers: ClinVar variation 5027163 (VCV005027163.1).